The following is an entry in ClinVar:

NM_006231.4(POLE):c.3931C>T (p.Pro1311Ser)

Gene: POLE (DNA polymerase epsilon, catalytic subunit; minus strand). Cytogenetic location: 12q24.33.
Variant type: single nucleotide variant.
Coding change: c.3931C>T on transcript NM_006231.4 (MANE Select); coding-DNA position 3931, C replaced by T.
Protein change: p.Pro1311Ser; replaces proline 1311 with serine.
Molecular consequence: missense variant.
Genome position (GRCh38, 1-based): chr12:132,649,380, G>A on the plus strand (C>T on the coding strand, the complement: POLE is on the minus strand). VCF-style: chr12-132649380-G-A. GRCh37 (hg19) VCF-style: chr12-133225966-G-A.
Other names: short protein forms P1311S.
Identifiers: ClinVar variation 4740482 (VCV004740482.1).

ClinVar aggregate classification (germline): Uncertain significance (1 of 4 stars; one submission).

Submission:

Labcorp Genetics (formerly Invitae), Labcorp
Classification: Uncertain significance. Last evaluated: 2025-07-27. Review status: criteria provided, single submitter. Criteria: Invitae Variant Classification Sherloc (09022015). Collection method: clinical testing. Allele origin: germline.
Comment: This sequence change replaces proline, which is neutral and non-polar, with serine, which is neutral and polar, at codon 1311 of the POLE protein (p.Pro1311Ser). This variant is not present in population databases (gnomAD no frequency). This variant has not been reported in the literature in individuals affected with POLE-related conditions. Invitae Evidence Modeling of protein sequence and biophysical properties (such as structural, functional, and spatial information, amino acid conservation, physicochemical variation, residue mobility, and thermodynamic stability) indicates that this missense variant is not expected to disrupt POLE protein function with a negative predictive value of 80%. In summary, the available evidence is currently insufficient to determine the role of this variant in disease. Therefore, it has been classified as a Variant of Uncertain Significance.